The following is an entry in ClinVar:

ClinVar aggregate classification (germline): Uncertain significance. Review status: criteria provided, multiple submitters, no conflicts (2 of 4 stars). 2 submissions from 2 submitters: Uncertain significance (2). Last evaluated 2023-10-13.

Conditions:
COG7 congenital disorder of glycosylation (CDG2E). Also called: CONGENITAL DISORDER OF GLYCOSYLATION, TYPE IIe; CDG IIe. Identifiers: Orphanet 79333, MedGen C2931010, MONDO:0012118, OMIM 608779.

Allele frequency attached by ClinVar (database versions not stated): ExAC below 0.00001; gnomAD below 0.00001 and 0.00001; gnomAD exomes 0.00001.
gnomAD v4.1: 11 of 1,603,484 alleles (0.00069%); highest among the groups gnomAD compares: South Asian, 0.01%; no homozygotes.

Submissions (2):

Labcorp Genetics (formerly Invitae), Labcorp
Classification: Uncertain significance for COG7 congenital disorder of glycosylation. Last evaluated: 2023-10-13. Review status: criteria provided, single submitter. Criteria: Invitae Variant Classification Sherloc (09022015). Collection method: clinical testing. Allele origin: germline.
Comment: This sequence change replaces glutamine, which is neutral and polar, with arginine, which is basic and polar, at codon 273 of the COG7 protein (p.Gln273Arg). This variant is not present in population databases (gnomAD no frequency). This variant has not been reported in the literature in individuals affected with COG7-related conditions. ClinVar contains an entry for this variant (Variation ID: 1032507). Advanced modeling of protein sequence and biophysical properties (such as structural, functional, and spatial information, amino acid conservation, physicochemical variation, residue mobility, and thermodynamic stability) performed at Invitae indicates that this missense variant is not expected to disrupt COG7 protein function. In summary, the available evidence is currently insufficient to determine the role of this variant in disease. Therefore, it has been classified as a Variant of Uncertain Significance.

Baylor Genetics
Classification: Uncertain significance for COG7 congenital disorder of glycosylation. Last evaluated: 2018-09-25. Review status: criteria provided, single submitter. Criteria: ACMG Guidelines, 2015. Collection method: clinical testing. Allele origin: paternal. Affected: yes.
Comment: This variant was determined to be of uncertain significance according to ACMG Guidelines, 2015 [PMID:25741868].

NM_153603.4(COG7):c.818A>G (p.Gln273Arg)

Gene: COG7 (component of oligomeric golgi complex 7; minus strand). Cytogenetic location: 16p12.2.
Variant type: single nucleotide variant.
Coding change: c.818A>G on transcript NM_153603.4 (MANE Select); coding-DNA position 818, A replaced by G.
Protein change: p.Gln273Arg; replaces glutamine 273 with arginine.
Molecular consequence: missense variant.
Genome position (GRCh38, 1-based): chr16:23,424,940, T>C on the plus strand (A>G on the coding strand, the complement: COG7 is on the minus strand). VCF-style: chr16-23424940-T-C. GRCh37 (hg19) VCF-style: chr16-23436261-T-C.
Other names: short protein forms Q273R.
Identifiers: ClinVar variation 1032507 (VCV001032507.5), dbSNP rs746662903, ClinGen allele CA7961169.